The following is an entry in ClinVar:

NM_001252102.2(KIF21B):c.1990A>T (p.Lys664Ter)

Gene: KIF21B (kinesin family member 21B; minus strand). Cytogenetic location: 1q32.1.
Variant type: single nucleotide variant.
Coding change: c.1990A>T on transcript NM_001252102.2 (MANE Select); coding-DNA position 1990, A replaced by T.
Protein change: p.Lys664Ter; replaces lysine 664 with a stop codon.
Molecular consequence: nonsense.
Genome position (GRCh38, 1-based): chr1:200,998,471, T>A on the plus strand (A>T on the coding strand, the complement: KIF21B is on the minus strand). VCF-style: chr1-200998471-T-A. GRCh37 (hg19) VCF-style: chr1-200967599-T-A.
Other names: c.1990A>T, p.Lys664Ter (NM_001252100.2, NM_001252103.2, NM_017596.4); short protein forms K664*.
Identifiers: ClinVar variation 3766361 (VCV003766361.1).

ClinVar aggregate classification (germline): Uncertain significance (1 of 4 stars; one submission).

Submission:

GeneDx
Classification: Uncertain significance. Last evaluated: 2024-08-26. Review status: criteria provided, single submitter. Criteria: GeneDx Variant Classification Process June 2021. Collection method: clinical testing. Allele origin: germline. Affected: yes.
Comment: Not observed at significant frequency in large population cohorts (gnomAD); Nonsense variant predicted to result in protein truncation or nonsense mediated decay in a gene or region of a gene for which loss of function is not a well-established mechanism of disease; Has not been previously published as pathogenic or benign to our knowledge